The following is an entry in ClinVar:

NM_001371986.1(UNC80):c.1210A>G (p.Met404Val)

Gene: UNC80 (unc-80 subunit of NALCN channel complex; plus strand). Cytogenetic location: 2q34.
Variant type: single nucleotide variant.
Coding change: c.1210A>G on transcript NM_001371986.1 (MANE Select); coding-DNA position 1210, A replaced by G.
Protein change: p.Met404Val; replaces methionine 404 with valine.
Molecular consequence: missense variant.
Genome position (GRCh38, 1-based): chr2:209,815,266, A>G. VCF-style: chr2-209815266-A-G. GRCh37 (hg19) VCF-style: chr2-210679990-A-G.
Other names: c.1210A>G, p.Met404Val (NM_032504.2, NM_182587.4); short protein forms M404V.
Identifiers: ClinVar variation 1505822 (VCV001505822.6), dbSNP rs759961895, ClinGen allele CA2082913.

ClinVar aggregate classification (germline): Uncertain significance (1 of 4 stars; one submission).

Allele frequency attached by ClinVar (database versions not stated): gnomAD exomes below 0.00001 and 0.00001; ExAC 0.00009.
gnomAD v4.1: 2 of 1,551,626 alleles (0.00013%); highest among the groups gnomAD compares: South Asian, 0.0012%; no homozygotes.

Submission:

Labcorp Genetics (formerly Invitae), Labcorp
Classification: Uncertain significance. Last evaluated: 2024-03-11. Review status: criteria provided, single submitter. Criteria: Invitae Variant Classification Sherloc (09022015). Collection method: clinical testing. Allele origin: germline.
Comment: This sequence change replaces methionine, which is neutral and non-polar, with valine, which is neutral and non-polar, at codon 404 of the UNC80 protein (p.Met404Val). This variant is present in population databases (rs759961895, gnomAD 0.004%). This variant has not been reported in the literature in individuals affected with UNC80-related conditions. ClinVar contains an entry for this variant (Variation ID: 1505822). An algorithm developed to predict the effect of missense changes on protein structure and function (PolyPhen-2) suggests that this variant is likely to be tolerated. In summary, the available evidence is currently insufficient to determine the role of this variant in disease. Therefore, it has been classified as a Variant of Uncertain Significance.